The following is an entry in ClinVar:

ClinVar aggregate classification (germline): Pathogenic. Review status: reviewed by expert panel (3 of 4 stars). 7 submissions from 7 submitters: Pathogenic (1). 6 of the submissions do not count toward it. Last evaluated 2023-12-09.

Conditions:
RUNX1-related disorder. Also called: RUNX1-related condition.
Hereditary thrombocytopenia and hematologic cancer predisposition syndrome. Identifiers: Orphanet 71290, MedGen CN281654, MONDO:0011071.
Acute myeloid leukemia (AML). Also called: Leukemia, acute myeloid, somatic; Leukemia, acute myelogenous, somatic; Acute myeloid leukemia, adult; AML adult; Acute non-lymphocytic leukemia; Acute granulocytic leukemia. Identifiers: Orphanet 519, MedGen C0023467, MeSH D015470, MONDO:0018874, OMIM 601626, HP:0004808. Disease mechanism: Constitutively activated FLT3.
Hereditary thrombocytopenia and hematological cancer predisposition syndrome associated with RUNX1. Also called: PLATELET DISORDER, ASPIRIN-LIKE; Familial thrombocytopenia with propensity to acute myelogenous leukemia; Familial Platelet Disorder with Propensity to Acute Myelogenous Leukemia; RUNX1 Familial Platelet Disorder with Associated Myeloid Malignancies. Identifiers: Orphanet 71290, MedGen C1832388, MeSH C563324, MONDO:0100083, OMIM 601399.
Inborn genetic diseases. Identifiers: MedGen C0950123, MeSH D030342.

Submissions (7):

ClinGen Myeloid Malignancy Variant Curation Expert Panel
Classification: Pathogenic for Hereditary thrombocytopenia and hematologic cancer predisposition syndrome. Last evaluated: 2023-12-09. Review status: reviewed by expert panel. Criteria: ClinGen MyeloMalig ACMG Specifications v2. Collection method: curation. Allele origin: germline. Inheritance: Autosomal dominant inheritance.
Comment: The NM_001754.5:c.292del p.(Leu98SerfsTer24) variant is a frameshift variant that is predicted to introduce a premature stop codon and is expected to result in nonsense-mediated mRNA decay. All the biologically relevant transcripts are predicted to be affected (PVS1). This variant is completely absent from all population databases with at least 20x coverage for RUNX1 (PM2_supporting), and is a nonsense variant downstream of c.98 (in transcript NM_001754.4) (PM5_supporting). The c.292del variant has been reported in one proband with a diagnosis of clonal cytopenia of undetermined significance (PMID: 33179473). This variant was identified by NGS and had a VAF of 33%. However, its germline origin was not assessed in the study. Therefore, we cannot assess case-study/segregation criteria. In summary, this variant meets the criteria to be classified as pathogenic. ACMG/AMP criteria applied, as specified by the Myeloid Malignancy Variant Curation Expert Panel for RUNX1: PVS1, PM2_supporting, PM5_supporting.

Ambry Genetics
Classification: Pathogenic for Inborn genetic diseases. Last evaluated: 2026-01-06. Review status: criteria provided, single submitter. Criteria: Ambry Variant Classification Scheme 2023. Collection method: clinical testing. Allele origin: germline. Not counted in ClinVar's aggregate classification.
Comment: The c.292delC pathogenic mutation, located in coding exon 3 of the RUNX1 gene, results from a deletion of one nucleotide at nucleotide position 292, causing a translational frameshift with a predicted alternate stop codon (p.L98Sfs*24). This variant is considered to be rare based on population cohorts in the Genome Aggregation Database (gnomAD). This alteration is expected to result in loss of function by premature protein truncation or nonsense-mediated mRNA decay. As such, this alteration is interpreted as a disease-causing mutation.

Labcorp Genetics (formerly Invitae), Labcorp
Classification: Pathogenic for Hereditary thrombocytopenia and hematological cancer predisposition syndrome associated with RUNX1. Last evaluated: 2023-05-13. Review status: criteria provided, single submitter. Criteria: Invitae Variant Classification Sherloc (09022015). Collection method: clinical testing. Allele origin: germline. Not counted in ClinVar's aggregate classification.
Comment: This sequence change creates a premature translational stop signal (p.Leu98Serfs*24) in the RUNX1 gene. It is expected to result in an absent or disrupted protein product. Loss-of-function variants in RUNX1 are known to be pathogenic (PMID: 18723428, 24100448). For these reasons, this variant has been classified as Pathogenic. ClinVar contains an entry for this variant (Variation ID: 561231). This variant has not been reported in the literature in individuals affected with RUNX1-related conditions. This variant is not present in population databases (gnomAD no frequency).

Cancer Variant Interpretation Group UK, Institute of Cancer Research, London
Classification: Pathogenic for Hereditary thrombocytopenia and hematological cancer predisposition syndrome associated with RUNX1. Last evaluated: 2022-06-10. Review status: criteria provided, single submitter. Criteria: ACMG Guidelines, 2015. Collection method: curation. Allele origin: unknown. Observed: 1 variant allele. Not counted in ClinVar's aggregate classification.
Comment: Data included in classification: Absence from gnomAD v2.1.1 non-cancer WES data (PM2_sup) Frameshift variant downstream of c.98 in RUNX1 gene per RUNX1 VCEP guidance (PM5_sup) Myeloid NGS on bone marrow aspirate identified a RUNX1 frameshift variant with a VAF consistent with possible germline origin. Predicted to undergo nonsense-mediated decay (NMD). Exon present in all biologically relevant transcripts. Variant is in the region c.98- c.758 (PVS1_vs) Data not included in classification: 3x Pathogenic ClinVar classifications GeneDx ClinVar entry with germline allele origin and stated affected status COSMIC Variant Database shows 12 cases seen in Haem/Lymphoid Skokowa et al. 2014, 1x acquired (non-germline) case reported

Fulgent Genetics
Classification: Likely pathogenic for Hereditary thrombocytopenia and hematological cancer predisposition syndrome associated with RUNX1; Acute myeloid leukemia. Last evaluated: 2022-02-01. Review status: criteria provided, single submitter. Criteria: ACMG Guidelines, 2015. Collection method: clinical testing. Allele origin: unknown. Not counted in ClinVar's aggregate classification.

GeneDx
Classification: Pathogenic. Last evaluated: 2020-06-05. Review status: criteria provided, single submitter. Criteria: GeneDx Variant Classification Process June 2021. Collection method: clinical testing. Allele origin: germline. Affected: yes. Not counted in ClinVar's aggregate classification.
Comment: Frameshift variant predicted to result in protein truncation or nonsense mediated decay in a gene for which loss-of-function is a known mechanism of disease; Not observed in large population cohorts (Lek 2016); Has not been previously published as pathogenic or benign to our knowledge

PreventionGenetics, part of Exact Sciences
Classification: Pathogenic for RUNX1-related condition. Last evaluated: 2024-05-01. Review status: no assertion criteria provided. Collection method: clinical testing. Allele origin: germline. Not counted in ClinVar's aggregate classification.
Comment: The RUNX1 c.292delC variant is predicted to result in a frameshift and premature protein termination (p.Leu98Serfs*24). This variant has been reported in an individual with late-onset cytogenetically normal AML (Mendler et al. 2012. PubMed ID: 22753902. Table A2) and in a patient with AML and other chromosomal translocations (Auewarakul et al. 2007. PubMed ID: 17550866). This variant has also been reported in an individual with clonal cytopenia of undetermined significance (Mikkelsen et al. 2021. PubMed ID: 33179473. Table S2). This variant is interpreted as likely pathogenic or pathogenic in ClinVar. Frameshift variants in RUNX1 are expected to be pathogenic. This variant is interpreted as pathogenic.

Literature cited by the submitters: PubMed 18723428 (cited by Labcorp Genetics (formerly Invitae), Labcorp); PubMed 24100448 (cited by Labcorp Genetics (formerly Invitae), Labcorp); PubMed 24523240 (cited by Cancer Variant Interpretation Group UK, Institute of Cancer Research, London).

NM_001754.5(RUNX1):c.292del (p.Leu98fs)

Gene: RUNX1 (RUNX family transcription factor 1; minus strand). Cytogenetic location: 21q22.12.
Variant type: Deletion.
Coding change: c.292del on transcript NM_001754.5 (MANE Select); coding-DNA position 292, one base deleted (C; older notation c.292delC).
Protein change: p.Leu98fs; shifts the reading frame from leucine 98.
Molecular consequence: frameshift variant.
Genome position (GRCh38, 1-based): chr21:34,886,902, G deleted on the plus strand (C on the coding strand, the reverse complement: RUNX1 is on the minus strand); the first of 2 consecutive G bases (chr21:34,886,902-34,886,903); deleting either gives the same sequence. VCF-style (leftmost placement, unchanged base first): chr21-34886901-AG-A. GRCh37 (hg19) VCF-style: chr21-36259198-AG-A.
Other names: NM_001754.5(RUNX1):c.292del; p.Leu98fs; c.211del, p.Leu71fs (NM_001001890.3, NM_001122607.2); c.292delC (NM_001754.4); short protein forms L71fs, L98fs.
Identifiers: ClinVar variation 561231 (VCV000561231.16), dbSNP rs1569084170, ClinGen allele CA512318852.